The following is an entry in ClinVar:

ClinVar aggregate classification (germline): Uncertain significance. Review status: criteria provided, multiple submitters, no conflicts (2 of 4 stars). 2 submissions from 2 submitters: Uncertain significance (2). Last evaluated 2025-01-15.

Allele frequency attached by ClinVar (database versions not stated): gnomAD 0.00001; gnomAD exomes 0.00003; ExAC 0.00030.
gnomAD v4.1: 14 of 1,551,504 alleles (0.0009%); highest among the groups gnomAD compares: Non-Finnish European, 0.0011%; no homozygotes.

Submissions (2):

Labcorp Genetics (formerly Invitae), Labcorp
Classification: Uncertain significance. Last evaluated: 2025-01-15. Review status: criteria provided, single submitter. Criteria: Invitae Variant Classification Sherloc (09022015). Collection method: clinical testing. Allele origin: germline.
Comment: This sequence change replaces histidine, which is basic and polar, with tyrosine, which is neutral and polar, at codon 454 of the RIMS1 protein (p.His454Tyr). This variant is present in population databases (rs750685709, gnomAD 0.007%). This variant has not been reported in the literature in individuals affected with RIMS1-related conditions. ClinVar contains an entry for this variant (Variation ID: 1018830). An algorithm developed to predict the effect of missense changes on protein structure and function (PolyPhen-2) suggests that this variant is likely to be tolerated. In summary, the available evidence is currently insufficient to determine the role of this variant in disease. Therefore, it has been classified as a Variant of Uncertain Significance.

Blueprint Genetics
Classification: Uncertain significance. Last evaluated: 2022-06-17. Review status: criteria provided, single submitter. Criteria: ACMG Guidelines, 2015. Collection method: clinical testing. Allele origin: germline.

NM_014989.7(RIMS1):c.1360C>T (p.His454Tyr)

Gene: RIMS1 (regulating synaptic membrane exocytosis 1; plus strand). Cytogenetic location: 6q13.
Variant type: single nucleotide variant.
Coding change: c.1360C>T on transcript NM_014989.7 (MANE Select); coding-DNA position 1360, C replaced by T.
Protein change: p.His454Tyr; replaces histidine 454 with tyrosine.
Molecular consequence: missense variant.
Genome position (GRCh38, 1-based): chr6:72,182,831, C>T. VCF-style: chr6-72182831-C-T. GRCh37 (hg19) VCF-style: chr6-72892534-C-T.
Other names: short protein forms H454Y.
Identifiers: ClinVar variation 1018830 (VCV001018830.9), dbSNP rs750685709, ClinGen allele CA3885686.